The following is an entry in ClinVar:

ClinVar aggregate classification (germline): Uncertain significance (1 of 4 stars; one submission).

Submission:

Women's Health and Genetics/Laboratory Corporation of America, LabCorp
Classification: Uncertain significance. Last evaluated: 2025-04-11. Review status: criteria provided, single submitter. Criteria: LabCorp Variant Classification Summary - May 2015. Collection method: clinical testing. Allele origin: germline.
Comment: Variant summary: GCDH c.1242A>C (p.Glu414Asp) results in a conservative amino acid change located in the Acyl-CoA dehydrogenase/oxidase, C-terminal domain (IPR009075) of the encoded protein sequence. Four of five in-silico tools predict a damaging effect of the variant on protein function. The variant was absent in 249970 control chromosomes. The available data on variant occurrences in the general population are insufficient to allow any conclusion about variant significance. To our knowledge, no occurrence of c.1242A>C in individuals affected with Glutaric Acidemia Type 1 and no experimental evidence demonstrating its impact on protein function have been reported. No submitters have cited clinical-significance assessments for this variant to ClinVar. Based on the evidence outlined above, the variant was classified as uncertain significance.

NM_000159.4(GCDH):c.1242A>C (p.Glu414Asp)

Gene: GCDH (glutaryl-CoA dehydrogenase; plus strand). Cytogenetic location: 19p13.13.
Variant type: single nucleotide variant.
Coding change: c.1242A>C on transcript NM_000159.4 (MANE Select); coding-DNA position 1242, A replaced by C.
Protein change: p.Glu414Asp; replaces glutamic acid 414 with aspartic acid.
Molecular consequence: missense variant. On other transcripts: non-coding transcript variant (2).
Genome position (GRCh38, 1-based): chr19:12,897,862, A>C. VCF-style: chr19-12897862-A-C. GRCh37 (hg19) VCF-style: chr19-13008676-A-C.
Other names: c.1242A>C, p.Glu414Asp (NM_013976.5); short protein forms E414D.
Identifiers: ClinVar variation 3896320 (VCV003896320.2).
Genomic context (GRCh38, chr19:12,897,862, plus strand): 5'-TTCTGACGAGTATCACGTGATCCGGCACGCCATGAACCTGGAGGCCGTGAACACCTACGA[A>C]GGTAGGAGCTGGACCTCAGAGGGCTCACTGAGGCCTCAGTGTCTGGGGAGGGGGTACAGG-3'
Protein context (NP_000150.1, residues 404-424): AMNLEAVNTY[Glu414Asp]GTHDIHALIL